The following is an entry in ClinVar:

NM_006514.4(SCN10A):c.3088-20T>C

Genes: SCN10A (sodium voltage-gated channel alpha subunit 10; minus strand), LOC110121288 (VISTA enhancer hs2268; plus strand). Cytogenetic location: 3p22.2.
Variant type: single nucleotide variant.
Coding change: c.3088-20T>C on transcript NM_006514.4 (MANE Select); 20 bases into the intron before coding-DNA position 3088, T replaced by C.
Molecular consequence: intron variant.
Genome position (GRCh38, 1-based): chr3:38,725,334, A>G on the plus strand (T>C on the coding strand, the complement: SCN10A is on the minus strand). VCF-style: chr3-38725334-A-G. GRCh37 (hg19) VCF-style: chr3-38766825-A-G.
Other names: c.2794-20T>C (NM_001293307.2); c.3088-23T>C (NM_001293306.2); c.3088-20T>C (NM_006514.3).
Identifiers: ClinVar variation 380870 (VCV000380870.15), dbSNP rs11129804, ClinGen allele CA2320361.

ClinVar aggregate classification (germline): Benign. Review status: criteria provided, multiple submitters, no conflicts (2 of 4 stars). 7 submissions from 7 submitters: Benign (5). 2 of the submissions do not count toward it. Last evaluated 2026-02-03.

Conditions:
Brugada syndrome. Also called: Sudden Unexplained Death Syndrome; Sudden Unexplained Nocturnal Death Syndrome (SUNDS); Sudden unexpected nocturnal death syndrome; Sudden unexplained nocturnal death syndrome. Identifiers: Orphanet 130, MedGen C1142166, MONDO:0015263.

Allele frequency attached by ClinVar (database versions not stated): ESP Exome Variant Server 0.04921; TOPMed 0.05676; gnomAD exomes 0.06869; ExAC 0.07012; 1000 Genomes Project 30x 0.08432; 1000 Genomes Project 0.08446.
gnomAD v4.1: 86,606 of 1,553,760 alleles (5.6%); highest among the groups gnomAD compares: East Asian, 10%; 2,763 homozygotes.

Submissions (7):

Labcorp Genetics (formerly Invitae), Labcorp
Classification: Benign for Brugada syndrome. Last evaluated: 2026-02-03. Review status: criteria provided, single submitter. Criteria: Invitae Variant Classification Sherloc (09022015). Collection method: clinical testing. Allele origin: germline.

Blueprint Genetics
Classification: Benign. Last evaluated: 2024-11-26. Review status: criteria provided, single submitter. Criteria: ACMG Guidelines, 2015. Collection method: clinical testing. Allele origin: germline.

Women's Health and Genetics/Laboratory Corporation of America, LabCorp
Classification: Benign. Last evaluated: 2023-07-29. Review status: criteria provided, single submitter. Criteria: LabCorp Variant Classification Summary - May 2015. Collection method: clinical testing. Allele origin: germline.

GeneDx
Classification: Benign. Last evaluated: 2016-10-03. Review status: criteria provided, single submitter. Criteria: GeneDx Variant Classification (06012015). Collection method: clinical testing. Allele origin: germline. Affected: yes.
Comment: This variant is considered likely benign or benign based on one or more of the following criteria: it is a conservative change, it occurs at a poorly conserved position in the protein, it is predicted to be benign by multiple in silico algorithms, and/or has population frequency not consistent with disease.

Breakthrough Genomics
Classification: Benign. Review status: criteria provided, single submitter. Criteria: ACMG Guidelines, 2015. Collection method: not provided. Allele origin: germline. Inheritance: Autosomal dominant inheritance. Affected: yes.

Clinical Genetics, Academic Medical Center
Classification: Benign. Review status: no assertion criteria provided. Collection method: clinical testing. Allele origin: germline. Affected: yes. Study: VKGL Data-share Consensus. Not counted in ClinVar's aggregate classification.

Joint Genome Diagnostic Labs from Nijmegen and Maastricht, Radboudumc and MUMC+
Classification: Benign. Review status: no assertion criteria provided. Collection method: clinical testing. Allele origin: germline. Affected: yes. Study: VKGL Data-share Consensus. Not counted in ClinVar's aggregate classification.